The following is an entry in ClinVar:

ClinVar aggregate classification (germline): Uncertain significance (1 of 4 stars; one submission).

Submission:

GeneDx
Classification: Uncertain significance. Last evaluated: 2023-04-25. Review status: criteria provided, single submitter. Criteria: GeneDx Variant Classification Process June 2021. Collection method: clinical testing. Allele origin: germline. Affected: yes.
Comment: Not observed at significant frequency in large population cohorts (gnomAD); In silico analysis supports that this missense variant has a deleterious effect on protein structure/function; Has not been previously published as pathogenic or benign to our knowledge

NM_181675.4(PPP2R2B):c.820A>G (p.Arg274Gly)

Genes: CTB-99A3.1 (uncharacterized CTB-99A3.1; plus strand), PPP2R2B (protein phosphatase 2 regulatory subunit Bbeta; minus strand). Cytogenetic location: 5q32.
Variant type: single nucleotide variant.
Coding change: c.820A>G on transcript NM_181675.4 (MANE Select); coding-DNA position 820, A replaced by G.
Protein change: p.Arg274Gly; replaces arginine 274 with glycine.
Molecular consequence: missense variant. On other transcripts: non-coding transcript variant (2).
Genome position (GRCh38, 1-based): chr5:146,600,431, T>C on the plus strand (A>G on the coding strand, the complement: PPP2R2B is on the minus strand). VCF-style: chr5-146600431-T-C. GRCh37 (hg19) VCF-style: chr5-145979994-T-C.
Other names: c.820A>G, p.Arg274Gly (NM_001127381.1, NM_004576.2); c.838A>G, p.Arg280Gly (NM_001271899.1); c.994A>G, p.Arg332Gly (NM_001271900.2); c.787A>G, p.Arg263Gly (NM_001271948.2, NM_181678.2); c.1018A>G, p.Arg340Gly (NM_181674.3); c.829A>G, p.Arg277Gly (NM_181676.3); c.760A>G, p.Arg254Gly (NM_181677.2); short protein forms R254G, R263G, R274G, R277G, R280G, R332G, R340G.
Identifiers: ClinVar variation 2661939 (VCV002661939.1), dbSNP rs2482776140, ClinGen allele CA361881205.
Genomic context (GRCh38, chr5:146,600,431, plus strand): 5'-TCCCACTGTGGCTGAACTTCACATCCGAAATCGAAGAGATAATTTCAGAGAAAAATGATC[T>C]GTTGCTTGGATCTTCCGGCTCTTCAAAAACTGCAGAACAAAAGCAAAACAAGACAAATTT-3'
Protein context (NP_858061.3, residues 264-284): FFEEPEDPSN[Arg274Gly]SFFSEIISSI